The following is an entry in ClinVar:

ClinVar aggregate classification (germline): Uncertain significance (1 of 4 stars; one submission).

Conditions:
Hereditary cancer-predisposing syndrome. Also called: Neoplastic Syndromes, Hereditary; Hereditary Cancer Syndrome; Hereditary neoplastic syndrome; Tumor predisposition. Identifiers: Orphanet 140162, MedGen C0027672, MeSH D009386, MONDO:0015356.

Submission:

Ambry Genetics
Classification: Uncertain significance for Hereditary cancer-predisposing syndrome. Last evaluated: 2023-04-30. Review status: criteria provided, single submitter. Criteria: Ambry Variant Classification Scheme 2023. Collection method: clinical testing. Allele origin: germline.
Comment: The p.A357T variant (also known as c.1069G>A), located in coding exon 8 of the RAD50 gene, results from a G to A substitution at nucleotide position 1069. The alanine at codon 357 is replaced by threonine, an amino acid with similar properties. This amino acid position is conserved. In addition, this alteration is predicted to be tolerated by in silico analysis. Since supporting evidence is limited at this time, the clinical significance of this alteration remains unclear.

NM_005732.4(RAD50):c.1069G>A (p.Ala357Thr)

Gene: RAD50 (RAD50 double strand break repair protein; plus strand). Cytogenetic location: 5q31.1.
Variant type: single nucleotide variant.
Coding change: c.1069G>A on transcript NM_005732.4 (MANE Select); coding-DNA position 1069, G replaced by A.
Protein change: p.Ala357Thr; replaces alanine 357 with threonine.
Molecular consequence: missense variant.
Genome position (GRCh38, 1-based): chr5:132,588,704, G>A. VCF-style: chr5-132588704-G-A. GRCh37 (hg19) VCF-style: chr5-131924396-G-A.
Other names: short protein forms A357T.
Identifiers: ClinVar variation 2565940 (VCV002565940.2), dbSNP rs2149841039, ClinGen allele CA360942034.